The following is an entry in ClinVar:

ClinVar aggregate classification (germline): Conflicting classifications of pathogenicity. Review status: criteria provided, conflicting classifications (1 of 4 stars). 11 submissions from 11 submitters: Pathogenic (7); Likely pathogenic (1); Uncertain significance (1). 2 of the submissions do not count toward it. Last evaluated 2026-07-16.

Conditions:
CHMP1A-related disorder. Also called: CHMP1A-related condition.
Inborn genetic diseases. Identifiers: MedGen C0950123, MeSH D030342.
Pontocerebellar hypoplasia type 8 (PCH8). Identifiers: Orphanet 324569, MedGen C3554209, MONDO:0013990, OMIM 614961.

Allele frequency attached by ClinVar (database versions not stated): gnomAD exomes 0.00001 and below 0.00001; gnomAD 0.00014 and 0.00011; TOPMed 0.00036.

Submissions (11):

Ambry Genetics
Classification: Pathogenic for Inborn genetic diseases. Last evaluated: 2026-07-16. Review status: criteria provided, single submitter. Criteria: Ambry Variant Classification Scheme 2023. Collection method: clinical testing. Allele origin: germline.
Comment: The c.88C>T (p.Q30*) alteration, located in exon 3 (coding exon 3) of the CHMP1A gene, consists of a C to T substitution at nucleotide position 88. This changes the amino acid from a glutamine (Q) to a stop codon at amino acid position 30. This variant is expected to result in loss of function by premature protein truncation or nonsense-mediated mRNA decay. Based on data from gnomAD, the T allele has an overall frequency of 0.001% (2/279874) total alleles studied. The highest observed frequency was 0.014% (1/7118) of Other alleles. This variant has been identified in the homozygous state and/or in conjunction with other CHMP1A variants in individuals with features consistent with CHMP1A-related pontocerebellar hypoplasia (Mochida, 2012; Bekheirnia, 2021). In an assay testing CHMP1A function, this variant showed a functionally abnormal result (Mochida, 2012). Based on the available evidence, this alteration is classified as pathogenic.

Labcorp Genetics (formerly Invitae), Labcorp
Classification: Pathogenic. Last evaluated: 2026-01-05. Review status: criteria provided, single submitter. Criteria: Invitae Variant Classification Sherloc (09022015). Collection method: clinical testing. Allele origin: germline.
Comment: This sequence change creates a premature translational stop signal (p.Gln30*) in the CHMP1A gene. It is expected to result in an absent or disrupted protein product. Loss-of-function variants in CHMP1A are known to be pathogenic (PMID: 23023333). The frequency data for this variant in the population databases is considered unreliable, as metrics indicate poor data quality at this position in the gnomAD database. This premature translational stop signal has been observed in individual(s) with pontocerebellar hypoplasia and microcephaly (PMID: 23023333). It has also been observed to segregate with disease in related individuals. ClinVar contains an entry for this variant (Variation ID: 39837). For these reasons, this variant has been classified as Pathogenic.

Variantyx, Inc.
Classification: Pathogenic for Pontocerebellar hypoplasia type 8. Last evaluated: 2025-12-18. Review status: criteria provided, single submitter. Criteria: Variantyx Assertion Criteria 2022. Collection method: clinical testing. Allele origin: germline. Inheritance: Autosomal recessive inheritance. Affected: no.
Comment: This is a nonsense variant in the CHMP1A gene (OMIM: 164010). Pathogenic variants in this gene have been associated with autosomal recessive pontocerebellar hypoplasia, type 8. This variant introduces a premature termination codon in exon 3 out of 7 and is expected to result in loss of function, which is a known disease mechanism for CHMP1A in this disorder (PVS1). This variant has been identified in the homozygous or compound heterozygous state in at least 2 individuals reported in the published literature (PMID: 23023333, 33528536) (PM3). Th\\e variant has a 0.0333% maximum allele frequency in non-founder control populations (PM2). Based on the current evidence, this variant is classified as pathogenic for autosomal recessive pontocerebellar hypoplasia, type 8.

Daryl Scott Lab, Baylor College of Medicine
Classification: Pathogenic for Pontocerebellar hypoplasia type 8. Last evaluated: 2025-08-25. Review status: criteria provided, single submitter. Criteria: ACMG Guidelines, 2015. Collection method: clinical testing. Allele origin: biparental. Affected: yes. Observed: 1 homozygote.
Comment: PVS1, PS4, PM2

Fulgent Genetics
Classification: Likely pathogenic for Pontocerebellar hypoplasia type 8. Last evaluated: 2024-05-16. Review status: criteria provided, single submitter. Criteria: ACMG Guidelines, 2015. Collection method: clinical testing. Allele origin: germline.

GeneDx
Classification: Pathogenic. Last evaluated: 2022-03-24. Review status: criteria provided, single submitter. Criteria: GeneDx Variant Classification Process June 2021. Collection method: clinical testing. Allele origin: germline. Affected: yes.
Comment: Nonsense variant predicted to result in protein truncation or nonsense mediated decay in a gene for which loss-of-function is a known mechanism of disease; Not observed at a significant frequency in large population cohorts (gnomAD); This variant is associated with the following publications: (PMID: 23023333, 27535533)

Revvity Omics, Revvity
Classification: Uncertain significance for Pontocerebellar hypoplasia type 8. Last evaluated: 2021-06-16. Review status: criteria provided, single submitter. Criteria: ACMG Guidelines, 2015. Collection method: clinical testing. Allele origin: germline.

New York Genome Center
Classification: Pathogenic for Pontocerebellar hypoplasia type 8. Last evaluated: 2020-06-18. Review status: criteria provided, single submitter. Criteria: NYGC Assertion Criteria 2020. Collection method: clinical testing. Allele origin: inherited. Observed: 1 heterozygote. Study: CSER-NYCKidSeq.

Genetic Services Laboratory, University of Chicago
Classification: Pathogenic for Pontocerebellar hypoplasia, type 8. Last evaluated: 2014-11-04. Review status: criteria provided, single submitter. Criteria: ACMG Guidelines, 2015. Collection method: clinical testing. Allele origin: germline. Affected: yes.

PreventionGenetics, part of Exact Sciences
Classification: Likely pathogenic for CHMP1A-related condition. Last evaluated: 2024-05-27. Review status: no assertion criteria provided. Collection method: clinical testing. Allele origin: germline. Not counted in ClinVar's aggregate classification.
Comment: The CHMP1A c.88C>T variant is predicted to result in premature protein termination (p.Gln30*). This variant, in the homozygous state, has been reported in three individuals from two families with pontocerebellar hypoplasia & microcephaly (Mochida et al 2012. PubMed ID: 23023333). This variant is reported in 0.0028% of alleles in individuals of Latino descent in gnomAD. Nonsense variants in CHMP1A are expected to be pathogenic. This variant is interpreted as likely pathogenic.

OMIM
Classification: Pathogenic for PONTOCEREBELLAR HYPOPLASIA, TYPE 8. Last evaluated: 2012-11-01. Review status: no assertion criteria provided. Collection method: literature only. Allele origin: germline. Not counted in ClinVar's aggregate classification.

Literature cited by the submitters: PubMed 23023333 (cited by 4 submitters); PubMed 35368817 (cited by Ambry Genetics); PubMed 33528536 (cited by Variantyx, Inc.).

NM_002768.5(CHMP1A):c.88C>T (p.Gln30Ter)

Gene: CHMP1A (charged multivesicular body protein 1A; minus strand). Cytogenetic location: 16q24.3.
Variant type: single nucleotide variant.
Coding change: c.88C>T on transcript NM_002768.5 (MANE Select); coding-DNA position 88, C replaced by T.
Protein change: p.Gln30Ter; replaces glutamine 30 with a stop codon.
Molecular consequence: nonsense. On other transcripts: missense variant (1), non-coding transcript variant (1).
Genome position (GRCh38, 1-based): chr16:89,651,586, G>A on the plus strand (C>T on the coding strand, the complement: CHMP1A is on the minus strand). VCF-style: chr16-89651586-G-A. GRCh37 (hg19) VCF-style: chr16-89717994-G-A.
Other names: c.68C>T, p.Ala23Val (NM_001083314.4); short protein forms Q30*, A23V.
Identifiers: ClinVar variation 39837 (VCV000039837.26), dbSNP rs397515426, ClinGen allele CA130620.